The following is an entry in ClinVar:

ClinVar aggregate classification (germline): Uncertain significance (1 of 4 stars; one submission).

gnomAD v4.1: 1 of 1,594,552 alleles (0.000063%); highest among the groups gnomAD compares: South Asian, 0.0011%; no homozygotes.

Submission:

CeGaT Center for Human Genetics Tuebingen
Classification: Uncertain significance. Last evaluated: 2026-08-01. Review status: criteria provided, single submitter. Criteria: CeGaT Center For Human Genetics Tuebingen Variant Classification Criteria Version 2. Collection method: clinical testing. Allele origin: germline. Affected: yes. Observed: 1 variant allele.
Comment: NEB: PM2

NM_001164508.2(NEB):c.18441C>G (p.His6147Gln)

Gene: NEB (nebulin; minus strand). Cytogenetic location: 2q23.3.
Variant type: single nucleotide variant.
Coding change: c.18441C>G on transcript NM_001164508.2 (MANE Select); coding-DNA position 18441, C replaced by G.
Protein change: p.His6147Gln; replaces histidine 6147 with glutamine.
Molecular consequence: missense variant.
Genome position (GRCh38, 1-based): chr2:151,565,074, G>C on the plus strand (C>G on the coding strand, the complement: NEB is on the minus strand). VCF-style: chr2-151565074-G-C. GRCh37 (hg19) VCF-style: chr2-152421588-G-C.
Other names: c.18441C>G, p.His6147Gln (NM_001164507.2, NM_001271208.2); c.13338C>G, p.His4446Gln (NM_004543.5); short protein forms H4446Q, H6147Q.
Identifiers: ClinVar variation 5039782 (VCV005039782.1).